The following is an entry in ClinVar:

NM_003482.4(KMT2D):c.3773G>A (p.Arg1258Gln)

Genes: KMT2D (lysine methyltransferase 2D; minus strand), LOC126861520 (CDK7 strongly-dependent group 2 enhancer GRCh37_chr12:49442744-49443943; plus strand). Cytogenetic location: 12q13.12.
Variant type: single nucleotide variant.
Coding change: c.3773G>A on transcript NM_003482.4 (MANE Select); coding-DNA position 3773, G replaced by A.
Protein change: p.Arg1258Gln; replaces arginine 1258 with glutamine.
Molecular consequence: missense variant.
Genome position (GRCh38, 1-based): chr12:49,049,815, C>T on the plus strand (G>A on the coding strand, the complement: KMT2D is on the minus strand). VCF-style: chr12-49049815-C-T. GRCh37 (hg19) VCF-style: chr12-49443598-C-T.
Other names: short protein forms R1258Q.
Identifiers: ClinVar variation 3047160 (VCV003047160.2), dbSNP rs1341612248, ClinGen allele CA384653530.

ClinVar aggregate classification (germline): Uncertain significance (0 of 4 stars; one submission).

Conditions:
KMT2D-related disorder. Also called: KMT2D-Related Disorders.

gnomAD v4.1: 7 of 1,613,944 alleles (0.00043%); highest among the groups gnomAD compares: South Asian, 0.0022%; no homozygotes.

Submission:

PreventionGenetics, part of Exact Sciences
Classification: Uncertain significance for KMT2D-related condition. Last evaluated: 2023-12-13. Review status: no assertion criteria provided. Collection method: clinical testing. Allele origin: germline.
Comment: The KMT2D c.3773G>A variant is predicted to result in the amino acid substitution p.Arg1258Gln. This variant has been reported in individuals with Kabuki syndrome, however no functional or family segregation studies support its pathogenicity (Micale et al. 2011. PubMed ID: 21658225; Faundes et al. 2018. PubMed ID: 30459467). This variant is reported in 0.00089% of alleles in individuals of European (Non-Finnish) descent in gnomAD. At this time, the clinical significance of this variant is uncertain due to the absence of conclusive functional and genetic evidence.